The following is an entry in ClinVar:

ClinVar aggregate classification (germline): Uncertain significance (1 of 4 stars; one submission).

Submission:

Ambry Genetics
Classification: Uncertain significance. Last evaluated: 2025-01-19. Review status: criteria provided, single submitter. Criteria: Ambry Variant Classification Scheme 2023. Collection method: clinical testing. Allele origin: germline.
Comment: The p.Q860H variant (also known as c.2580A>T), located in coding exon 1 of the TET2 gene, results from an A to T substitution at nucleotide position 2580. The glutamine at codon 860 is replaced by histidine, an amino acid with highly similar properties. This amino acid position is conserved. In addition, this alteration is predicted to be tolerated by in silico analysis. Based on the available evidence, the clinical significance of this variant remains unclear.

NM_001127208.3(TET2):c.2580A>T (p.Gln860His)

Genes: TET2 (tet methylcytosine dioxygenase 2; plus strand), TET2-AS1 (TET2 antisense RNA 1; minus strand). Cytogenetic location: 4q24.
Variant type: single nucleotide variant.
Coding change: c.2580A>T on transcript NM_001127208.3 (MANE Select); coding-DNA position 2580, A replaced by T.
Protein change: p.Gln860His; replaces glutamine 860 with histidine.
Molecular consequence: missense variant.
Genome position (GRCh38, 1-based): chr4:105,236,522, A>T. VCF-style: chr4-105236522-A-T. GRCh37 (hg19) VCF-style: chr4-106157679-A-T.
Other names: c.2580A>T, p.Gln860His (NM_017628.4); short protein forms Q860H.
Identifiers: ClinVar variation 3805978 (VCV003805978.1).